The following is an entry in ClinVar:

ClinVar aggregate classification (germline): Conflicting classifications of pathogenicity. Review status: criteria provided, conflicting classifications (1 of 4 stars). 9 submissions from 9 submitters: Uncertain significance (8); Likely benign (1). Last evaluated 2026-04-16.

Conditions:
Arrhythmogenic cardiomyopathy with wooly hair and keratoderma. Also called: Carvajal syndrome; Dilated cardiomyopathy with woolly hair and keratoderma; Arrhythmogenic cardiomyopathy with woolly hair and keratoderma; PALMOPLANTAR KERATODERMA WITH LEFT VENTRICULAR CARDIOMYOPATHY AND WOOLLY HAIR. Identifiers: Orphanet 65282, MedGen C1854063, MONDO:0011581, OMIM 605676.
Arrhythmogenic right ventricular dysplasia 8 (ARVD8). Also called: ARRHYTHMOGENIC RIGHT VENTRICULAR DYSPLASIA, FAMILIAL, 8; Arrhythmogenic Right Ventricular Dysplasia/Cardiomyopathy 8; ARRHYTHMOGENIC RIGHT VENTRICULAR CARDIOMYOPATHY 8. Identifiers: MedGen C1843896, MONDO:0011831, OMIM 607450.
Cardiovascular phenotype. Identifiers: MedGen CN230736.
Keratosis palmoplantaris striata 2. Also called: KERATODERMA, PALMOPLANTAR, STRIATE FORM II; STRIATE PALMOPLANTAR KERATODERMA II; Keratosis palmoplantaris striata II. Identifiers: MedGen C1852127, MONDO:0013034, OMIM 612908.
Cardiomyopathy, dilated, with wooly hair, keratoderma, and tooth agenesis. Also called: Erythrokeratodermia-cardiomyopathy syndrome; Cardiomyopathy, dilated, with woolly hair, keratoderma, and tooth agenesis. Identifiers: Orphanet 476096, Orphanet 65282, MedGen C4014393, MONDO:0014355, OMIM 615821.
Woolly hair-skin fragility syndrome (WHSF). Identifiers: Orphanet 293165, MedGen C1843292, MONDO:0957307, OMIM 620415.
Lethal acantholytic epidermolysis bullosa (EBLA). Identifiers: Orphanet 158687, MedGen C1864826, MONDO:0012323, OMIM 609638.
Cardiomyopathy (CMYO). Also called: Cardiomyopathies. Identifiers: Orphanet 167848, MedGen C0878544, MONDO:0004994, HP:0001638. Inheritance: Various modes of inheritance.

Allele frequency attached by ClinVar (database versions not stated): gnomAD 0.00001; gnomAD exomes 0.00001 and 0.00002; TOPMed 0.00001; ExAC 0.00001.

Submissions (9):

Ambry Genetics
Classification: Uncertain significance for Cardiovascular phenotype. Last evaluated: 2026-04-16. Review status: criteria provided, single submitter. Criteria: Ambry Variant Classification Scheme 2023. Collection method: clinical testing. Allele origin: germline.
Comment: The c.3550C>T (p.R1184W) alteration is located in exon 23 (coding exon 23) of the DSP gene. This alteration results from a C to T substitution at nucleotide position 3550, causing the arginine (R) at amino acid position 1184 to be replaced by a tryptophan (W). Based on data from gnomAD, the T allele has an overall frequency of 0.002% (5/250030) total alleles studied. The highest observed frequency was 0.004% (5/112778) of European (non-Finnish) alleles. Based on insufficient or conflicting evidence, the clinical significance of this alteration remains unclear.

GeneDx
Classification: Uncertain significance. Last evaluated: 2026-03-31. Review status: criteria provided, single submitter. Criteria: GeneDx Variant Classification Process June 2021. Collection method: clinical testing. Allele origin: germline.
Comment: Identified in association with atrial fibrillation, palmoplantar keratodermas (PPK), ARVC, and DCM in published literature (PMID: 30276209, 36788754, 38204539); Not observed at significant frequency in large population cohorts (gnomAD); In silico analysis supports that this missense variant has a deleterious effect on protein structure/function; This variant is associated with the following publications: (PMID: 34426522, 36788754, 38204539, 30276209, 29607617)

Labcorp Genetics (formerly Invitae), Labcorp
Classification: Likely benign for Arrhythmogenic cardiomyopathy with wooly hair and keratoderma; Arrhythmogenic right ventricular dysplasia 8. Last evaluated: 2025-10-13. Review status: criteria provided, single submitter. Criteria: Invitae Variant Classification Sherloc (09022015). Collection method: clinical testing. Allele origin: germline.

Color Diagnostics, LLC DBA Color Health
Classification: Uncertain significance for Cardiomyopathy. Last evaluated: 2025-06-20. Review status: criteria provided, single submitter. Criteria: ACMG Guidelines, 2015. Collection method: clinical testing. Allele origin: germline.
Comment: This missense variant replaces arginine with tryptophan at codon 1184 of the DSP protein. Computational prediction tool is inconclusive regarding the impact of this variant on protein structure and function. To our knowledge, functional studies have not been reported for this variant. This variant has been reported in two related individuals affected with palmoplantar keratoderma and in an individual affected with atrial fibrillation (PMID: 30276209). This variant has also been identified in 5/250030 chromosomes in the general population by the Genome Aggregation Database (gnomAD). The available evidence is insufficient to determine the role of this variant in disease conclusively. Therefore, this variant is classified as a Variant of Uncertain Significance.

ARUP Laboratories, Molecular Genetics and Genomics, ARUP Laboratories
Classification: Uncertain significance. Last evaluated: 2024-06-18. Review status: criteria provided, single submitter. Criteria: ARUP Molecular Germline Variant Investigation Process 2024. Collection method: clinical testing. Allele origin: germline.
Comment: The DSP c.3550C>T; p.Arg1184Trp variant (rs761331634; ClinVar ID: 626490) is reported in the literature in several individuals affected with palmoplantar keratoderma, cardiomyopathy, or cardiac arrhythmias (Dixit 2023, Donate Puertas 2018, Lenarduzzi 2023, Xue 2019). This variant is found in the non-Finnish European population with an allele frequency of 0.004% (5/112,778 alleles) in the Genome Aggregation Database (v2.1.1). Computational analyses are uncertain whether this variant is neutral or deleterious (REVEL: 0.667). Due to limited information, the clinical significance of this variant is uncertain at this time. References: Dixit P et al. Ventricular Tachycardia Due to Arrhythmogenic Right Ventricular Cardiomyopathy in the Setting of Acute Coronary Syndrome. JACC Case Rep. 2023 Nov 2;28:102092. PMID: 38204539. Donate Puertas R et al. Atrial Structural Remodeling Gene Variants in Patients with Atrial Fibrillation. Biomed Res Int. 2018 Sep 10;2018:4862480. PMID: 30276209. Lenarduzzi S et al. Whole-exome sequencing: Clinical characterization of pediatric and adult Italian patients affected by different forms of hereditary cardiovascular diseases. Mol Genet Genomic Med. 2023 May;11(5):e2143. PMID: 36788754. Xue K et al. A novel heterozygous missense mutation of DSP in a Chinese Han pedigree with palmoplantar keratoderma. J Cosmet Dermatol. 2019 Feb;18(1):371-376. PMID: 29607617.

All of Us Research Program, National Institutes of Health
Classification: Uncertain significance for Arrhythmogenic cardiomyopathy with wooly hair and keratoderma. Last evaluated: 2024-05-17. Review status: criteria provided, single submitter. Criteria: ACMG Guidelines, 2015. Collection method: clinical testing. Allele origin: germline. Inheritance: Autosomal dominant inheritance. Observed: 3 variant alleles, 3 heterozygotes.
Comment: This missense variant replaces arginine with tryptophan at codon 1184 of the DSP protein. Computational prediction is inconclusive regarding the impact of this variant on protein structure and function (internally defined REVEL score threshold 0.5 < inconclusive < 0.7, PMID: 27666373). To our knowledge, functional studies have not been reported for this variant. This variant has been reported in two related individuals affected with palmoplantar keratoderma and in an individual affected with atrial fibrillation (PMID: 30276209). This variant has also been identified in 5/250030 chromosomes in the general population by the Genome Aggregation Database (gnomAD). The available evidence is insufficient to determine the role of this variant in disease conclusively. Therefore, this variant is classified as a Variant of Uncertain Significance.

This study involves interpretation of variants in research participants for the purpose of population health screening. Participant phenotype was not available at the time of variant classification. Additional details can be found in publication PMID: 35346344, PMCID: PMC8962531

Women's Health and Genetics/Laboratory Corporation of America, LabCorp
Classification: Uncertain significance. Last evaluated: 2022-06-23. Review status: criteria provided, single submitter. Criteria: LabCorp Variant Classification Summary - May 2015. Collection method: clinical testing. Allele origin: germline.
Comment: Variant summary: DSP c.3550C>T (p.Arg1184Trp) results in a non-conservative amino acid change in the encoded protein sequence. Five of five in-silico tools predict a damaging effect of the variant on protein function. The variant allele was found at a frequency of 2e-05 in 250030 control chromosomes (gnomAD). The available data on variant occurrences in the general population are insufficient to allow any conclusion about variant significance. c.3550C>T has been reported in the literature in individuals affected with palmoplantar keratoderma and Paroxysmal (Atrial fibrillation) (examples: Xue_2018 and Donate Puertas_2018). Xue_2018 demonstrated that the individuals carrying this variant have reduced mRNA for DSP. These reports do not provide unequivocal conclusions about association of the variant with Arrhythmogenic Right Ventricular Dysplasia/Cardiomyopathy. Three clinical diagnostic laboratories have submitted clinical-significance assessments for this variant to ClinVar after 2014 and all classified the variant as uncertain significance. Based on the evidence outlined above, the variant was classified as uncertain significance.

Fulgent Genetics
Classification: Uncertain significance for Arrhythmogenic cardiomyopathy with wooly hair and keratoderma; Arrhythmogenic right ventricular dysplasia 8; Lethal acantholytic epidermolysis bullosa; Keratosis palmoplantaris striata 2; Cardiomyopathy, dilated, with wooly hair, keratoderma, and tooth agenesis. Last evaluated: 2021-11-16. Review status: criteria provided, single submitter. Criteria: ACMG Guidelines, 2015. Collection method: clinical testing. Allele origin: unknown.

CHEO Genetics Diagnostic Laboratory, Children's Hospital of Eastern Ontario
Classification: Uncertain significance for Cardiomyopathy. Last evaluated: 2017-08-23. Review status: criteria provided, single submitter. Criteria: ACMG Guidelines, 2015. Collection method: clinical testing. Allele origin: germline. Study: Canadian Open Genetics Repository.

Literature cited by the submitters: PubMed 30276209 (cited by 3 submitters); PubMed 29607617 (cited by Women's Health and Genetics/Laboratory Corporation of America, LabCorp).

NM_004415.4(DSP):c.3550C>T (p.Arg1184Trp)

Gene: DSP (desmoplakin; plus strand). Cytogenetic location: 6p24.3.
Variant type: single nucleotide variant.
Coding change: c.3550C>T on transcript NM_004415.4 (MANE Select); coding-DNA position 3550, C replaced by T.
Protein change: p.Arg1184Trp; replaces arginine 1184 with tryptophan.
Molecular consequence: missense variant.
Genome position (GRCh38, 1-based): chr6:7,579,740, C>T. VCF-style: chr6-7579740-C-T. GRCh37 (hg19) VCF-style: chr6-7579973-C-T.
Other names: c.3550C>T, p.Arg1184Trp (NM_001008844.3, NM_001319034.2); c.3550C>T (LRG_423t1); short protein forms R1184W.
Identifiers: ClinVar variation 626490 (VCV000626490.22), dbSNP rs761331634, ClinGen allele CA038373.